The following is an entry in ClinVar:

NM_000180.4(GUCY2D):c.3224+2T>A

Gene: GUCY2D (guanylate cyclase 2D, retinal; plus strand). Cytogenetic location: 17p13.1.
Variant type: single nucleotide variant.
Coding change: c.3224+2T>A on transcript NM_000180.4 (MANE Select); the canonical splice donor site of the intron after coding-DNA position 3224, T replaced by A.
Molecular consequence: splice donor variant.
Genome position (GRCh38, 1-based): chr17:8,016,292, T>A. VCF-style: chr17-8016292-T-A. GRCh37 (hg19) VCF-style: chr17-7919610-T-A.
Other names: NM_000180.4:c.3224+2T>A.
Identifiers: ClinVar variation 5042544 (VCV005042544.1).

ClinVar aggregate classification (germline): Pathogenic (3 of 4 stars; one submission).

Conditions:
GUCY2D-related recessive retinopathy. Also called: Recessive GUCY2D retinopathy. Identifiers: MedGen CN305603, MONDO:0100453.

Submission:

ClinGen Leber Congenital Amaurosis/early Onset Retinal Dystrophy Variant Curation Expert Panel, ClinGen
Classification: Pathogenic for GUCY2D-related recessive retinopathy. Last evaluated: 2026-11-06. Review status: reviewed by expert panel. Criteria: ClinGen LCAeoRD ACMG Specifications GUCY2D V1.0.0. Collection method: curation. Allele origin: germline. Inheritance: Autosomal recessive inheritance.
Comment: The NM_000180.4(GUCY2D):c.3224+2T> variant disrupts a canonical splice site in intron 18 and is predicted to lead to skipping of a critical exon. The subsequent frameshift is predicted to lead to nonsense-mediated decay in a gene in which loss-of-function is an established mechanism of disease (PVS1). This variant is predicted to have the same splicing impact as NM_000180.4(GUCY2D):c.3224+1G>C, a splice variant within the same donor/acceptor motif, previously classified as Pathogenic by the LCA/eoRD VCEP. (PS1_Supporting). At least one proband harboring this variant exhibits a phenotype including early onset cone-rod dystrophy (0.5pts), with onset between birth and age five years (1pt), and was tested by a gene panel (2.0pts) which are not sufficiently specific for GUCY2D-related recessive retinopathy to meet the PP4 code (3.5 points, Personal Communication).This variant is absent from gnomAD v4.1.2 (PM2_Supporting). In summary, this variant meets the criteria to be classified as Pathogenic for GUCY2D-related recessive retinopathy based on the ACMG/AMP criteria applied, as specified by the ClinGen LCA/eoRD VCEP: PVS1, PS1_Supporting, and PM2_Supporting. (VCEP specifications version 1.0.0).